The following is an entry in ClinVar:

NM_000347.5:c.199C>T

Gene: SPTB (spectrin beta, erythrocytic; minus strand).
Variant type: single nucleotide variant.
Identifiers: ClinVar variation 4278668 (VCV004278668.1).

ClinVar aggregate classification (germline): Uncertain significance (1 of 4 stars; one submission).

Submission:

GeneDx
Classification: Uncertain significance. Last evaluated: 2025-03-27. Review status: criteria provided, single submitter. Criteria: GeneDx Variant Classification Process June 2021. Collection method: clinical testing. Allele origin: germline. Affected: yes.
Comment: Not observed at significant frequency in large population cohorts (gnomAD); In silico analysis supports that this missense variant has a deleterious effect on protein structure/function; Has not been previously published as pathogenic or benign to our knowledge